The following is an entry in ClinVar:

ClinVar aggregate classification (germline): Likely benign. Review status: criteria provided, multiple submitters, no conflicts (2 of 4 stars). 4 submissions from 4 submitters: Likely benign (3). 1 of the submissions does not count toward it. Last evaluated 2024-05-15.

Conditions:
NTRK2-related disorder. Also called: NTRK2-related condition.

Allele frequency attached by ClinVar (database versions not stated): gnomAD exomes 0.00001 and 0.00003; ExAC 0.00002.
gnomAD v4.1: 53 of 1,614,050 alleles (0.0033%); highest among the groups gnomAD compares: South Asian, 0.0044%; no homozygotes.

Submissions (4):

Blueprint Genetics
Classification: Likely benign. Last evaluated: 2024-05-15. Review status: criteria provided, single submitter. Criteria: ACMG Guidelines, 2015. Collection method: clinical testing. Allele origin: germline.

CeGaT Center for Human Genetics Tuebingen
Classification: Likely benign. Last evaluated: 2024-05-01. Review status: criteria provided, single submitter. Criteria: CeGaT Center For Human Genetics Tuebingen Variant Classification Criteria Version 2. Collection method: clinical testing. Allele origin: germline. Affected: yes. Observed: 1 variant allele.
Comment: NTRK2: BP4, BP7

Labcorp Genetics (formerly Invitae), Labcorp
Classification: Likely benign. Last evaluated: 2023-12-06. Review status: criteria provided, single submitter. Criteria: Invitae Variant Classification Sherloc (09022015). Collection method: clinical testing. Allele origin: germline.

PreventionGenetics, part of Exact Sciences
Classification: Likely benign for NTRK2-related condition. Last evaluated: 2024-09-17. Review status: no assertion criteria provided. Collection method: clinical testing. Allele origin: germline. Not counted in ClinVar's aggregate classification.
Comment: This variant is classified as likely benign based on ACMG/AMP sequence variant interpretation guidelines (Richards et al. 2015 PMID: 25741868, with internal and published modifications).

NM_006180.6(NTRK2):c.2250C>T (p.Ser750=)

Gene: NTRK2 (neurotrophic receptor tyrosine kinase 2; plus strand). Cytogenetic location: 9q21.33.
Variant type: single nucleotide variant.
Coding change: c.2250C>T on transcript NM_006180.6 (MANE Select); coding-DNA position 2250, C replaced by T.
Protein change: p.Ser750=; no amino-acid change (serine 750 retained).
Molecular consequence: synonymous variant.
Genome position (GRCh38, 1-based): chr9:85,020,283, C>T. VCF-style: chr9-85020283-C-T. GRCh37 (hg19) VCF-style: chr9-87635198-C-T.
Other names: c.2202C>T, p.Ser734= (NM_001018064.3, NM_001369532.1, NM_001369533.1); c.2166C>T, p.Ser722= (NM_001369534.1); c.1734C>T, p.Ser578= (NM_001369535.1); c.1782C>T, p.Ser594= (NM_001369536.1); c.2250C>T (NM_006180.4).
Identifiers: ClinVar variation 1535547 (VCV001535547.28), dbSNP rs369724047, ClinGen allele CA5105958.